The following is an entry in ClinVar:

ClinVar aggregate classification (germline): Conflicting classifications of pathogenicity. Review status: criteria provided, conflicting classifications (1 of 4 stars). 3 submissions from 3 submitters: Likely pathogenic (1); Uncertain significance (2). Last evaluated 2025-05-19.

Conditions:
Sucrase-isomaltase deficiency (CSID). Also called: SI DEFICIENCY; Deficiency of isomaltase; Congenital sucrose isomaltose malabsorption; Sucrose isomaltose enzyme deficiency. Identifiers: Orphanet 35122, MedGen C1283620, MONDO:0009114, OMIM 222900.

Allele frequency attached by ClinVar (database versions not stated): gnomAD 0.00001 and 0.00002; ExAC 0.00002; gnomAD exomes 0.00003; TOPMed 0.00003; ESP Exome Variant Server 0.00008; 1000 Genomes Project 30x 0.00016; 1000 Genomes Project 0.00020.
gnomAD v4.1: 48 of 1,613,544 alleles (0.003%); highest among the groups gnomAD compares: Non-Finnish European, 0.0041%; no homozygotes.

Submissions (3):

Labcorp Genetics (formerly Invitae), Labcorp
Classification: Likely pathogenic. Last evaluated: 2025-05-19. Review status: criteria provided, single submitter. Criteria: Invitae Variant Classification Sherloc (09022015). Collection method: clinical testing. Allele origin: germline.
Comment: This sequence change replaces tryptophan, which is neutral and slightly polar, with cysteine, which is neutral and slightly polar, at codon 105 of the SI protein (p.Trp105Cys). This variant is present in population databases (rs138564183, gnomAD 0.006%). This missense change has been observed in individual(s) with congenital sucrase-isomaltase deficiency (PMID: 28062276, 37349966). In at least one individual the data is consistent with being in trans (on the opposite chromosome) from a pathogenic variant. ClinVar contains an entry for this variant (Variation ID: 900785). Invitae Evidence Modeling of protein sequence and biophysical properties (such as structural, functional, and spatial information, amino acid conservation, physicochemical variation, residue mobility, and thermodynamic stability) has been performed for this missense variant. However, the output from this modeling did not meet the statistical confidence thresholds required to predict the impact of this variant on SI protein function. Experimental studies have shown that this missense change affects SI function (PMID: 28062276). In summary, the currently available evidence indicates that the variant is pathogenic, but additional data are needed to prove that conclusively. Therefore, this variant has been classified as Likely Pathogenic.

Fulgent Genetics
Classification: Uncertain significance for Sucrase-isomaltase deficiency. Last evaluated: 2024-06-05. Review status: criteria provided, single submitter. Criteria: ACMG Guidelines, 2015. Collection method: clinical testing. Allele origin: germline.

Illumina Laboratory Services, Illumina
Classification: Uncertain significance for Sucrase-isomaltase deficiency. Last evaluated: 2018-01-13. Review status: criteria provided, single submitter. Criteria: ICSL Variant Classification Criteria 13 December 2019. Collection method: clinical testing. Allele origin: germline.

Literature cited by the submitters: PubMed 28062276 (cited by Labcorp Genetics (formerly Invitae), Labcorp); PubMed 37349966 (cited by Labcorp Genetics (formerly Invitae), Labcorp).

NM_001041.4(SI):c.315G>T (p.Trp105Cys)

Gene: SI (sucrase-isomaltase; minus strand). Cytogenetic location: 3q26.1.
Variant type: single nucleotide variant.
Coding change: c.315G>T on transcript NM_001041.4 (MANE Select); coding-DNA position 315, G replaced by T.
Protein change: p.Trp105Cys; replaces tryptophan 105 with cysteine.
Molecular consequence: missense variant.
Genome position (GRCh38, 1-based): chr3:165,069,136, C>A on the plus strand (G>T on the coding strand, the complement: SI is on the minus strand). VCF-style: chr3-165069136-C-A. GRCh37 (hg19) VCF-style: chr3-164786924-C-A.
Other names: short protein forms W105C.
Identifiers: ClinVar variation 900785 (VCV000900785.11), dbSNP rs138564183, ClinGen allele CA2691549.